The following is an entry in ClinVar:

ClinVar aggregate classification (germline): Uncertain significance. Review status: criteria provided, multiple submitters, no conflicts (2 of 4 stars). 2 submissions from 2 submitters: Uncertain significance (2). Last evaluated 2025-02-03.

Conditions:
Inborn genetic diseases. Identifiers: MedGen C0950123, MeSH D030342.

Allele frequency attached by ClinVar (database versions not stated): gnomAD exomes 0.00001; TOPMed 0.00001; gnomAD 0.00002 and 0.00003.
gnomAD v4.1: 17 of 1,612,990 alleles (0.0011%); highest among the groups gnomAD compares: African/African-American, 0.0013%; no homozygotes.

Submissions (2):

Ambry Genetics
Classification: Uncertain significance for Inborn genetic diseases. Last evaluated: 2025-02-03. Review status: criteria provided, single submitter. Criteria: Ambry Variant Classification Scheme 2023. Collection method: clinical testing. Allele origin: germline.

Labcorp Genetics (formerly Invitae), Labcorp
Classification: Uncertain significance. Last evaluated: 2020-07-01. Review status: criteria provided, single submitter. Criteria: Invitae Variant Classification Sherloc (09022015). Collection method: clinical testing. Allele origin: germline.
Comment: In summary, the available evidence is currently insufficient to determine the role of this variant in disease. Therefore, it has been classified as a Variant of Uncertain Significance. Algorithms developed to predict the effect of missense changes on protein structure and function (SIFT, PolyPhen-2, Align-GVGD) all suggest that this variant is likely to be tolerated, but these predictions have not been confirmed by published functional studies and their clinical significance is uncertain. This variant has not been reported in the literature in individuals with KCNV2-related conditions. This variant is not present in population databases (ExAC no frequency). This sequence change replaces glutamic acid with glycine at codon 144 of the KCNV2 protein (p.Glu144Gly). The glutamic acid residue is weakly conserved and there is a moderate physicochemical difference between glutamic acid and glycine.

NM_133497.4(KCNV2):c.431A>G (p.Glu144Gly)

Gene: KCNV2 (potassium voltage-gated channel modifier subfamily V member 2; plus strand). Cytogenetic location: 9p24.2.
Variant type: single nucleotide variant.
Coding change: c.431A>G on transcript NM_133497.4 (MANE Select); coding-DNA position 431, A replaced by G.
Protein change: p.Glu144Gly; replaces glutamic acid 144 with glycine.
Molecular consequence: missense variant.
Genome position (GRCh38, 1-based): chr9:2,718,170, A>G. VCF-style: chr9-2718170-A-G. GRCh37 (hg19) VCF-style: chr9-2718170-A-G.
Other names: c.431A>G (NM_133497.3); short protein forms E144G.
Identifiers: ClinVar variation 1027009 (VCV001027009.9), dbSNP rs945133207, ClinGen allele CA187971420.